The following is an entry in ClinVar:

NM_000350.3(ABCA4):c.4505G>T (p.Cys1502Phe)

Gene: ABCA4 (ATP binding cassette subfamily A member 4; minus strand). Cytogenetic location: 1p22.1.
Variant type: single nucleotide variant.
Coding change: c.4505G>T on transcript NM_000350.3 (MANE Select); coding-DNA position 4505, G replaced by T.
Protein change: p.Cys1502Phe; replaces cysteine 1502 with phenylalanine.
Molecular consequence: missense variant.
Genome position (GRCh38, 1-based): chr1:94,029,479, C>A on the plus strand (G>T on the coding strand, the complement: ABCA4 is on the minus strand). VCF-style: chr1-94029479-C-A. GRCh37 (hg19) VCF-style: chr1-94495035-C-A.
Other names: c.4283G>T, p.Cys1428Phe (NM_001425324.1); short protein forms C1502F, C1428F.
Identifiers: ClinVar variation 866714 (VCV000866714.8), dbSNP rs1660137001, ClinGen allele CA341284821.

ClinVar aggregate classification (germline): Pathogenic/Likely pathogenic. Review status: criteria provided, multiple submitters, no conflicts (2 of 4 stars). 2 submissions from 2 submitters: Pathogenic (1); Likely pathogenic (1). Last evaluated 2022-01-11.

Conditions:
ABCA4-related disorder. Also called: ABCA4-related condition; ABCA4-related disorders. Identifiers: MedGen CN239167.

Submissions (2):

Labcorp Genetics (formerly Invitae), Labcorp
Classification: Pathogenic. Last evaluated: 2022-01-11. Review status: criteria provided, single submitter. Criteria: Invitae Variant Classification Sherloc (09022015). Collection method: clinical testing. Allele origin: germline.
Comment: This sequence change replaces cysteine, which is neutral and slightly polar, with phenylalanine, which is neutral and non-polar, at codon 1502 of the ABCA4 protein (p.Cys1502Phe). This variant is not present in population databases (gnomAD no frequency). This missense change has been observed in individual(s) with Stargardt disease (Invitae). In at least one individual the data is consistent with being in trans (on the opposite chromosome) from a pathogenic variant. ClinVar contains an entry for this variant (Variation ID: 866714). Advanced modeling of protein sequence and biophysical properties (such as structural, functional, and spatial information, amino acid conservation, physicochemical variation, residue mobility, and thermodynamic stability) performed at Invitae indicates that this missense variant is expected to disrupt ABCA4 protein function. This variant disrupts the p.Cys1502 amino acid residue in ABCA4. Other variant(s) that disrupt this residue have been observed in individuals with ABCA4-related conditions (PMID: 29925512, 33261146; Invitae), which suggests that this may be a clinically significant amino acid residue. For these reasons, this variant has been classified as Pathogenic.

Blueprint Genetics
Classification: Likely pathogenic for ABCA4-related disorders. Last evaluated: 2021-09-24. Review status: criteria provided, single submitter. Criteria: ACMG Guidelines, 2015. Collection method: clinical testing. Allele origin: germline. Affected: yes. Observed: 2 variant alleles.

Literature cited by the submitters: PubMed 29925512 (cited by Labcorp Genetics (formerly Invitae), Labcorp); PubMed 33261146 (cited by Labcorp Genetics (formerly Invitae), Labcorp).